The following is an entry in ClinVar:

ClinVar aggregate classification (germline): Uncertain significance. Review status: criteria provided, multiple submitters, no conflicts (2 of 4 stars). 3 submissions from 3 submitters: Uncertain significance (3). Last evaluated 2023-06-06.

Conditions:
Intellectual disability, autosomal recessive 53 (NEDHSCA). Also called: GLYCOSYLPHOSPHATIDYLINOSITOL BIOSYNTHESIS DEFECT 13; NEURODEVELOPMENTAL DISORDER WITH OR WITHOUT HYPOTONIA, SEIZURES, AND CEREBELLAR ATROPHY; Mental retardation, autosomal recessive 53. Identifiers: Orphanet 488635, MedGen C4310794, MONDO:0014832, OMIM 616917.
Inborn genetic diseases. Identifiers: MedGen C0950123, MeSH D030342.

Allele frequency attached by ClinVar (database versions not stated): ExAC 0.00002; gnomAD 0.00003 and 0.00005; gnomAD exomes 0.00003 and 0.00004; TOPMed 0.00008.
gnomAD v4.1: 64 of 1,614,052 alleles (0.004%); highest among the groups gnomAD compares: Middle Eastern, 0.016%; no homozygotes.

Submissions (3):

Ambry Genetics
Classification: Uncertain significance for Inborn genetic diseases. Last evaluated: 2023-06-06. Review status: criteria provided, single submitter. Criteria: Ambry Variant Classification Scheme 2023. Collection method: clinical testing. Allele origin: germline.

GeneDx
Classification: Uncertain significance. Last evaluated: 2022-11-16. Review status: criteria provided, single submitter. Criteria: GeneDx Variant Classification Process June 2021. Collection method: clinical testing. Allele origin: germline. Affected: yes.
Comment: Not observed at significant frequency in large population cohorts (gnomAD); In silico analysis supports that this missense variant has a deleterious effect on protein structure/function; Has not been previously published as pathogenic or benign to our knowledge

Labcorp Genetics (formerly Invitae), Labcorp
Classification: Uncertain significance for Intellectual disability, autosomal recessive 53. Last evaluated: 2022-07-25. Review status: criteria provided, single submitter. Criteria: Invitae Variant Classification Sherloc (09022015). Collection method: clinical testing. Allele origin: germline.
Comment: This sequence change replaces serine, which is neutral and polar, with leucine, which is neutral and non-polar, at codon 516 of the PIGG protein (p.Ser516Leu). This variant is present in population databases (rs749178545, gnomAD 0.006%). This variant has not been reported in the literature in individuals affected with PIGG-related conditions. ClinVar contains an entry for this variant (Variation ID: 843061). Algorithms developed to predict the effect of missense changes on protein structure and function are either unavailable or do not agree on the potential impact of this missense change (SIFT: "Deleterious"; PolyPhen-2: "Possibly Damaging"; Align-GVGD: "Class C0"). In summary, the available evidence is currently insufficient to determine the role of this variant in disease. Therefore, it has been classified as a Variant of Uncertain Significance.

NM_001127178.3(PIGG):c.1547C>T (p.Ser516Leu)

Gene: PIGG (phosphatidylinositol glycan anchor biosynthesis class G (EMM blood group); plus strand). Cytogenetic location: 4p16.3.
Variant type: single nucleotide variant.
Coding change: c.1547C>T on transcript NM_001127178.3 (MANE Select); coding-DNA position 1547, C replaced by T.
Protein change: p.Ser516Leu; replaces serine 516 with leucine.
Molecular consequence: missense variant. On other transcripts: 3 prime UTR variant (2), non-coding transcript variant (10).
Genome position (GRCh38, 1-based): chr4:521,874, C>T. VCF-style: chr4-521874-C-T. GRCh37 (hg19) VCF-style: chr4-515663-C-T.
Other names: c.1280C>T, p.Ser427Leu (NM_001289051.2, NM_001289053.2, NM_001345986.2); c.1148C>T, p.Ser383Leu (NM_001289052.2); c.*109C>T (NM_001289055.2); c.*162C>T (NM_001289057.2); c.1256C>T, p.Ser419Leu (NM_001345987.2); c.518C>T, p.Ser173Leu (NM_001345988.2); c.1547C>T, p.Ser516Leu (NM_001345989.2); c.14C>T, p.Ser5Leu (NM_001345990.2, NM_001345991.2); and 3 more; short protein forms S173L, S427L, S150L, S508L, S5L, S383L, S419L, S516L.
Identifiers: ClinVar variation 843061 (VCV000843061.9), dbSNP rs749178545, ClinGen allele CA2793344.